The following is an entry in ClinVar:

ClinVar aggregate classification (germline): Uncertain significance (1 of 4 stars; one submission).

Submission:

Labcorp Genetics (formerly Invitae), Labcorp
Classification: Uncertain significance. Last evaluated: 2025-07-16. Review status: criteria provided, single submitter. Criteria: Invitae Variant Classification Sherloc (09022015). Collection method: clinical testing. Allele origin: germline.
Comment: This sequence change replaces glutamic acid, which is acidic and polar, with lysine, which is basic and polar, at codon 481 of the SPECC1L protein (p.Glu481Lys). This variant is not present in population databases (gnomAD no frequency). This variant has not been reported in the literature in individuals affected with SPECC1L-related conditions. Invitae Evidence Modeling of protein sequence and biophysical properties (such as structural, functional, and spatial information, amino acid conservation, physicochemical variation, residue mobility, and thermodynamic stability) has been performed for this missense variant. However, the output from this modeling did not meet the statistical confidence thresholds required to predict the impact of this variant on SPECC1L protein function. In summary, the available evidence is currently insufficient to determine the role of this variant in disease. Therefore, it has been classified as a Variant of Uncertain Significance.

NM_015330.6(SPECC1L):c.1441G>A (p.Glu481Lys)

Genes: SPECC1L (sperm antigen with calponin homology and coiled-coil domains 1 like; plus strand), SPECC1L-ADORA2A (SPECC1L-ADORA2A readthrough (NMD candidate); plus strand). Cytogenetic location: 22q11.23.
Variant type: single nucleotide variant.
Coding change: c.1441G>A on transcript NM_015330.6 (MANE Select); coding-DNA position 1441, G replaced by A.
Protein change: p.Glu481Lys; replaces glutamic acid 481 with lysine.
Molecular consequence: missense variant. On other transcripts: non-coding transcript variant (1).
Genome position (GRCh38, 1-based): chr22:24,322,421, G>A. VCF-style: chr22-24322421-G-A. GRCh37 (hg19) VCF-style: chr22-24718389-G-A.
Other names: c.1441G>A, p.Glu481Lys (NM_001145468.4, NM_001254732.3); short protein forms E481K.
Identifiers: ClinVar variation 4748205 (VCV004748205.1).